The following is an entry in ClinVar:

NM_000383.4(AIRE):c.733A>G (p.Lys245Glu)

Gene: AIRE (autoimmune regulator; plus strand). Cytogenetic location: 21q22.3.
Variant type: single nucleotide variant.
Coding change: c.733A>G on transcript NM_000383.4 (MANE Select); coding-DNA position 733, A replaced by G.
Protein change: p.Lys245Glu; replaces lysine 245 with glutamic acid.
Molecular consequence: missense variant.
Genome position (GRCh38, 1-based): chr21:44,289,737, A>G. VCF-style: chr21-44289737-A-G. GRCh37 (hg19) VCF-style: chr21-45709620-A-G.
Other names: short protein forms K245E.
Identifiers: ClinVar variation 2832221 (VCV002832221.3), dbSNP rs374588482, ClinGen allele CA10051690.

ClinVar aggregate classification (germline): Uncertain significance (1 of 4 stars; one submission).

Conditions:
Polyglandular autoimmune syndrome, type 1 (APS1). Also called: Autoimmune polyendocrinopathy syndrome , type I, with or without reversible metaphyseal dysplasia; HYPOADRENOCORTICISM WITH HYPOPARATHYROIDISM AND SUPERFICIAL MONILIASIS; PGA I; Autoimmune polyendocrine syndrome type 1; Autoimmune polyendocrinopathy syndrome, type I; AUTOIMMUNE POLYENDOCRINE SYNDROME, TYPE I, WITH OR WITHOUT REVERSIBLE METAPHYSEAL DYSPLASIA. Identifiers: Orphanet 3453, MedGen C0085859, MONDO:0009411, OMIM 240300.

Allele frequency attached by ClinVar (database versions not stated): TOPMed below 0.00001; gnomAD 0.00001; ExAC 0.00002; ESP Exome Variant Server 0.00008.

Submission:

Labcorp Genetics (formerly Invitae), Labcorp
Classification: Uncertain significance for Polyglandular autoimmune syndrome, type 1. Last evaluated: 2023-02-10. Review status: criteria provided, single submitter. Criteria: Invitae Variant Classification Sherloc (09022015). Collection method: clinical testing. Allele origin: germline.
Comment: This variant has not been reported in the literature in individuals affected with AIRE-related conditions. Advanced modeling of protein sequence and biophysical properties (such as structural, functional, and spatial information, amino acid conservation, physicochemical variation, residue mobility, and thermodynamic stability) has been performed at Invitae for this missense variant, however the output from this modeling did not meet the statistical confidence thresholds required to predict the impact of this variant on AIRE protein function. In summary, the available evidence is currently insufficient to determine the role of this variant in disease. Therefore, it has been classified as a Variant of Uncertain Significance. This variant is present in population databases (rs374588482, gnomAD 0.01%). This sequence change replaces lysine, which is basic and polar, with glutamic acid, which is acidic and polar, at codon 245 of the AIRE protein (p.Lys245Glu).